The following is an entry in ClinVar:

NM_201384.3(PLEC):c.2735C>G (p.Ala912Gly)

Gene: PLEC (plectin; minus strand). Cytogenetic location: 8q24.3.
Variant type: single nucleotide variant.
Coding change: c.2735C>G on transcript NM_201384.3 (MANE Select); coding-DNA position 2735, C replaced by G.
Protein change: p.Ala912Gly; replaces alanine 912 with glycine.
Molecular consequence: missense variant.
Genome position (GRCh38, 1-based): chr8:143,929,940, G>C on the plus strand (C>G on the coding strand, the complement: PLEC is on the minus strand). VCF-style: chr8-143929940-G-C. GRCh37 (hg19) VCF-style: chr8-145004108-G-C.
Other names: c.3146C>G, p.Ala1049Gly (NM_201380.4); c.2639C>G, p.Ala880Gly (NM_201381.3); c.2735C>G, p.Ala912Gly (NM_201382.4); c.2747C>G, p.Ala916Gly (NM_201383.3); c.2816C>G, p.Ala939Gly (NM_000445.5, NM_001410941.1); c.2693C>G, p.Ala898Gly (NM_201378.4); c.2669C>G, p.Ala890Gly (NM_201379.3); short protein forms A898G, A880G, A1049G, A912G, A939G, A890G, A916G.
Identifiers: ClinVar variation 1963062 (VCV001963062.5), dbSNP rs887906897, ClinGen allele CA187619214.

ClinVar aggregate classification (germline): Uncertain significance (1 of 4 stars; one submission).

Conditions:
Epidermolysis bullosa simplex 5B, with muscular dystrophy (EBS5B). Also called: Epidermolysis bullosa simplex with muscular dystrophy; EPIDERMOLYSIS BULLOSA SIMPLEX AND LIMB-GIRDLE MUSCULAR DYSTROPHY. Identifiers: Orphanet 257, MedGen C2931072, MONDO:0009181, OMIM 226670.
Epidermolysis bullosa simplex, Ogna type (EBS5A). Also called: Pidermolysis bullosa simplex 5A, Ogna type; EPIDERMOLYSIS BULLOSA SIMPLEX 5A, OGNA TYPE. Identifiers: Orphanet 79401, MedGen C0432317, MONDO:0007555, OMIM 131950.
Epidermolysis bullosa simplex with nail dystrophy (EBS5D). Identifiers: MedGen C4225309, MONDO:0014661, OMIM 616487.
Epidermolysis bullosa simplex 5C, with pyloric atresia (EBS5C). Also called: PLEC1-Related Epidermolysis Bullosa with Pyloric Atresia; PLEC-Related Epidermolysis Bullosa with Pyloric Atresia; Epidermolysis bullosa simplex with pyloric atresia. Identifiers: Orphanet 158684, MedGen C2677349, MONDO:0012807, OMIM 612138.
Autosomal recessive limb-girdle muscular dystrophy type 2Q (LGMDR17). Also called: MUSCULAR DYSTROPHY, LIMB-GIRDLE, AUTOSOMAL RECESSIVE 17. Identifiers: Orphanet 254361, MedGen C3150989, MONDO:0013390, OMIM 613723.

Submission:

Labcorp Genetics (formerly Invitae), Labcorp
Classification: Uncertain significance for Autosomal recessive limb-girdle muscular dystrophy type 2Q; Epidermolysis bullosa simplex, Ogna type; Epidermolysis bullosa simplex with nail dystrophy; Epidermolysis bullosa simplex 5C, with pyloric atresia; Epidermolysis bullosa simplex 5B, with muscular dystrophy. Last evaluated: 2022-11-01. Review status: criteria provided, single submitter. Criteria: Invitae Variant Classification Sherloc (09022015). Collection method: clinical testing. Allele origin: germline.
Comment: In summary, the available evidence is currently insufficient to determine the role of this variant in disease. Therefore, it has been classified as a Variant of Uncertain Significance. Advanced modeling of protein sequence and biophysical properties (such as structural, functional, and spatial information, amino acid conservation, physicochemical variation, residue mobility, and thermodynamic stability) has been performed at Invitae for this missense variant, however the output from this modeling did not meet the statistical confidence thresholds required to predict the impact of this variant on PLEC protein function. This variant has not been reported in the literature in individuals affected with PLEC-related conditions. This variant is not present in population databases (gnomAD no frequency). This sequence change replaces alanine, which is neutral and non-polar, with glycine, which is neutral and non-polar, at codon 939 of the PLEC protein (p.Ala939Gly).